The following is an entry in ClinVar:

NM_016042.4(EXOSC3):c.80T>G (p.Val27Gly)

Gene: EXOSC3 (exosome component 3; minus strand). Cytogenetic location: 9p13.2.
Variant type: single nucleotide variant.
Coding change: c.80T>G on transcript NM_016042.4 (MANE Select); coding-DNA position 80, T replaced by G.
Protein change: p.Val27Gly; replaces valine 27 with glycine.
Molecular consequence: missense variant.
Genome position (GRCh38, 1-based): chr9:37,784,965, A>C on the plus strand (T>G on the coding strand, the complement: EXOSC3 is on the minus strand). VCF-style: chr9-37784965-A-C. GRCh37 (hg19) VCF-style: chr9-37784962-A-C.
Other names: c.80T>G, p.Val27Gly (NM_001002269.2); short protein forms V27G.
Identifiers: ClinVar variation 372991 (VCV000372991.1), dbSNP rs1057518124, ClinGen allele CA16042791.

ClinVar aggregate classification (germline): Likely pathogenic (1 of 4 stars; one submission).

Submission:

GeneDx
Classification: Likely pathogenic. Last evaluated: 2016-06-29. Review status: criteria provided, single submitter. Criteria: GeneDx Variant Classification (06012015). Collection method: clinical testing. Allele origin: germline. Affected: yes.
Comment: The V27G variant in the EXOSC3 gene has not been reported previously as a pathogenic variant, nor as a benign variant, to our knowledge. The V27G variant was not observed in approximately 6500 individuals of European and African American ancestry in the NHLBI Exome Sequencing Project, indicating it is not a common benign variant in these populations. The V27G variant is a conservative amino acid substitution, which is not likely to impact secondary protein structure as these residues share similar properties. This substitution occurs at a position where amino acids with similar properties to Valine are tolerated across species. However, in silico analysis predicts this variant is probably damaging to the protein structure/function., and a missense variant in a nearby residue (G31A) has been reported in the Human Gene Mutation Database in association with pontocerebellar hypoplasia type 1 (Stenson et al., 2014), supporting the functional importance of this region of the protein. The V27G variant is a strong candidate for a pathogenic variant.